The following is an entry in ClinVar:

NM_018109.4(MTPAP):c.160T>C (p.Phe54Leu)

Gene: MTPAP (mitochondrial poly(A) polymerase; minus strand). Cytogenetic location: 10p11.23.
Variant type: single nucleotide variant.
Coding change: c.160T>C on transcript NM_018109.4 (MANE Select); coding-DNA position 160, T replaced by C.
Protein change: p.Phe54Leu; replaces phenylalanine 54 with leucine.
Molecular consequence: missense variant.
Genome position (GRCh38, 1-based): chr10:30,341,638, A>G on the plus strand (T>C on the coding strand, the complement: MTPAP is on the minus strand). VCF-style: chr10-30341638-A-G. GRCh37 (hg19) VCF-style: chr10-30630567-A-G.
Other names: short protein forms F54L.
Identifiers: ClinVar variation 1432051 (VCV001432051.3), dbSNP rs200617104, ClinGen allele CA5459255.

ClinVar aggregate classification (germline): Uncertain significance (1 of 4 stars; one submission).

Allele frequency attached by ClinVar (database versions not stated): ExAC 0.00002; gnomAD exomes 0.00003 and 0.00014; gnomAD 0.00005 and 0.00006; TOPMed 0.00006; 1000 Genomes Project 30x 0.00016; 1000 Genomes Project 0.00020.
gnomAD v4.1: 226 of 1,613,924 alleles (0.014%); highest among the groups gnomAD compares: Non-Finnish European, 0.017%; no homozygotes.

Submission:

Labcorp Genetics (formerly Invitae), Labcorp
Classification: Uncertain significance. Last evaluated: 2022-06-09. Review status: criteria provided, single submitter. Criteria: Invitae Variant Classification Sherloc (09022015). Collection method: clinical testing. Allele origin: germline.
Comment: This sequence change replaces phenylalanine, which is neutral and non-polar, with leucine, which is neutral and non-polar, at codon 54 of the MTPAP protein (p.Phe54Leu). This variant is present in population databases (rs200617104, gnomAD 0.006%). This variant has not been reported in the literature in individuals affected with MTPAP-related conditions. Algorithms developed to predict the effect of missense changes on protein structure and function output the following: SIFT: "Tolerated"; PolyPhen-2: "Benign"; Align-GVGD: "Class C0". The leucine amino acid residue is found in multiple mammalian species, which suggests that this missense change does not adversely affect protein function. In summary, the available evidence is currently insufficient to determine the role of this variant in disease. Therefore, it has been classified as a Variant of Uncertain Significance.